The following is an entry in ClinVar:

NM_002485.5(NBN):c.35_37+10del

Gene: NBN (nibrin; minus strand). Cytogenetic location: 8q21.3.
Variant type: Deletion.
Coding change: c.35_37+10del on transcript NM_002485.5 (MANE Select); coding-DNA position 35 through 10 bases into the intron after coding-DNA position 37, 13 bases deleted (GAGGTAAGGGCAG).
Molecular consequence: splice donor variant.
Genome position (GRCh38, 1-based): chr8:89,984,515-89,984,527, CTGCCCTTACCTC deleted on the plus strand (GAGGTAAGGGCAG on the coding strand, the reverse complement: NBN is on the minus strand); deleting any 13 consecutive bases within chr8:89,984,515-89,984,532 gives the same sequence; the c. name uses the placement nearest the transcript's 3' end. VCF-style (leftmost placement, unchanged base first): chr8-89984514-TCTGCCCTTACCTC-T. GRCh37 (hg19) VCF-style: chr8-90996742-TCTGCCCTTACCTC-T.
Other names: c.-262_-260+10del (NM_001024688.3).
Identifiers: ClinVar variation 1067846 (VCV001067846.10), dbSNP rs781710700, ClinGen allele CA4803094.

ClinVar aggregate classification (germline): Likely pathogenic. Review status: criteria provided, multiple submitters, no conflicts (2 of 4 stars). 3 submissions from 3 submitters: Likely pathogenic (3). Last evaluated 2025-05-20.

Conditions:
Microcephaly, normal intelligence and immunodeficiency (NBS). Also called: Microcephaly with normal intelligence immunodeficiency and lymphoreticular malignancies; Nonsyndromal microcephaly autosomal recessive with normal intelligence; Seemanova syndrome 2; SEEMANOVA SYNDROME II; BERLIN BREAKAGE SYNDROME; Immunodeficiency, microcephaly with normal intelligence. Identifiers: Orphanet 647, MedGen C0398791, MONDO:0009623, OMIM 251260.
Hereditary cancer-predisposing syndrome. Also called: Tumor predisposition; Neoplastic Syndromes, Hereditary; Hereditary neoplastic syndrome; Hereditary Cancer Syndrome. Identifiers: Orphanet 140162, MedGen C0027672, MeSH D009386, MONDO:0015356.

Submissions (3):

Myriad Genetics, Inc.
Classification: Likely pathogenic for Microcephaly, normal intelligence and immunodeficiency. Last evaluated: 2025-05-20. Review status: criteria provided, single submitter. Criteria: Myriad Autosomal Dominant, Autosomal Recessive and X-Linked Classification Criteria (2023). Collection method: clinical testing. Allele origin: unknown.
Comment: NM_002485.4(NBN):c.35_37+10del13 is a variant in a canonical splice site classified as likely pathogenic in the context of Nijmegen breakage syndrome. c.35_37+10del13 has not been observed in cases with relevant disease. Relevant functional assessments of this variant are not available in the literature. c.35_37+10del13 has been observed in referenced population frequency databases. In summary, NM_002485.4(NBN):c.35_37+10del13 is a variant in a canonical splice site in a gene where loss of function is a known mechanism of disease and is predicted to disrupt protein function. Please note: this variant was assessed in the context of healthy population screening.

Labcorp Genetics (formerly Invitae), Labcorp
Classification: Likely pathogenic for Microcephaly, normal intelligence and immunodeficiency. Last evaluated: 2023-06-04. Review status: criteria provided, single submitter. Criteria: Invitae Variant Classification Sherloc (09022015). Collection method: clinical testing. Allele origin: germline.
Comment: In summary, the currently available evidence indicates that the variant is pathogenic, but additional data are needed to prove that conclusively. Therefore, this variant has been classified as Likely Pathogenic. This variant is present in population databases (rs781710700, gnomAD 0.0009%). This variant has not been reported in the literature in individuals affected with NBN-related conditions. ClinVar contains an entry for this variant (Variation ID: 1067846). Algorithms developed to predict the effect of sequence changes on RNA splicing suggest that this variant may disrupt the consensus splice site. This variant results in the deletion of part of exon 1 (c.35_37+10del) of the NBN gene. It is expected to disrupt RNA splicing. Variants that disrupt the donor or acceptor splice site typically lead to a loss of protein function (PMID: 16199547), and loss-of-function variants in NBN are known to be pathogenic (PMID: 9590180, 16415040).

Ambry Genetics
Classification: Likely pathogenic for Hereditary cancer-predisposing syndrome. Last evaluated: 2022-12-20. Review status: criteria provided, single submitter. Criteria: Ambry Variant Classification Scheme 2023. Collection method: clinical testing. Allele origin: germline.
Comment: The c.35_37+10del13 variant results from a deletion of 13 nucleotides between positions c.35 and c.37+10 and involves the canonical splice donor site after coding exon 1 of the NBN gene. The canonical splice donor site is highly conserved in available vertebrate species. Using the BDGP and ESEfinder splice site prediction tools, this alteration is predicted to abolish this splice donor site; however, direct evidence is insufficient (Ambry internal data). The stop codon in the predicted resulting transcript occurs in the 5' end ofthe NBN gene. As such, this alteration may escape nonsense-mediated mRNAdecay and/or be prone to rescue by reinitiation (Rivas et al. Science. 2015 May 8;348(6235):666-9; Lindeboom et al. Nat Genet. 2016 Oct;48(10):1112-8; Rhee et al. Sci Rep. 2017 May 10;7(1):1653). The exact functional effect of this alteration is unknown; however, premature termination codons are typically deleterious in nature. Based on the majority of available evidence to date, this variant is likely to be pathogenic.

Literature cited by the submitters: PubMed 16199547 (cited by Labcorp Genetics (formerly Invitae), Labcorp); PubMed 9590180 (cited by Labcorp Genetics (formerly Invitae), Labcorp); PubMed 16415040 (cited by Labcorp Genetics (formerly Invitae), Labcorp).